The following is an entry in ClinVar:

NM_005422.4(TECTA):c.5710A>G (p.Ile1904Val)

Genes: TBCEL-TECTA (TBCEL-TECTA readthrough; plus strand), TECTA (tectorin alpha; plus strand). Cytogenetic location: 11q23.3.
Variant type: single nucleotide variant.
Coding change: c.5710A>G on transcript NM_005422.4 (MANE Select); coding-DNA position 5710, A replaced by G.
Protein change: p.Ile1904Val; replaces isoleucine 1904 with valine.
Molecular consequence: missense variant.
Genome position (GRCh38, 1-based): chr11:121,168,177, A>G. VCF-style: chr11-121168177-A-G. GRCh37 (hg19) VCF-style: chr11-121038886-A-G.
Other names: c.6652A>G, p.Ile2218Val (NM_001378761.1); short protein forms I2218V, I1904V.
Identifiers: ClinVar variation 2181317 (VCV002181317.7), dbSNP rs1437661708, ClinGen allele CA383035578.
Genomic context (GRCh38, chr11:121,168,177, plus strand): 5'-AACATCATCACCAGGGACCGCACGATCAATGTGGAATTTTCATGTGCTTATGAGCTGGAT[A>G]TCAAGATCTCCTTGGATTCTGTTGTGAAGCCTATGCTAAGGTAAGGTGTCTCCTGGGCTG-3'
Protein context (NP_005413.2, residues 1894-1914): VEFSCAYELD[Ile1904Val]KISLDSVVKP

ClinVar aggregate classification (germline): Uncertain significance. Review status: criteria provided, multiple submitters, no conflicts (2 of 4 stars). 3 submissions from 3 submitters: Uncertain significance (3). Last evaluated 2025-04-12.

Conditions:
Inborn genetic diseases. Identifiers: MedGen C0950123, MeSH D030342.

Allele frequency attached by ClinVar (database versions not stated): gnomAD exomes 0.00001; gnomAD 0.00004; TOPMed 0.00004.
gnomAD v4.1: 19 of 1,614,124 alleles (0.0012%); highest among the groups gnomAD compares: African/African-American, 0.0027%; no homozygotes.

Submissions (3):

Ambry Genetics
Classification: Uncertain significance for Inborn genetic diseases. Last evaluated: 2025-04-12. Review status: criteria provided, single submitter. Criteria: Ambry Variant Classification Scheme 2023. Collection method: clinical testing. Allele origin: germline.

GeneDx
Classification: Uncertain significance. Last evaluated: 2024-07-16. Review status: criteria provided, single submitter. Criteria: GeneDx Variant Classification Process June 2021. Collection method: clinical testing. Allele origin: germline. Affected: yes.
Comment: In silico analysis indicates that this missense variant does not alter protein structure/function; Has not been previously published as pathogenic or benign to our knowledge; This variant is associated with the following publications: (PMID: 21520338, 31554319, 9590290, 16718611)

Labcorp Genetics (formerly Invitae), Labcorp
Classification: Uncertain significance. Last evaluated: 2022-06-09. Review status: criteria provided, single submitter. Criteria: Invitae Variant Classification Sherloc (09022015). Collection method: clinical testing. Allele origin: germline.
Comment: In summary, the available evidence is currently insufficient to determine the role of this variant in disease. Therefore, it has been classified as a Variant of Uncertain Significance. Algorithms developed to predict the effect of missense changes on protein structure and function (SIFT, PolyPhen-2, Align-GVGD) all suggest that this variant is likely to be tolerated. This variant has not been reported in the literature in individuals affected with TECTA-related conditions. This variant is present in population databases (no rsID available, gnomAD 0.002%). This sequence change replaces isoleucine, which is neutral and non-polar, with valine, which is neutral and non-polar, at codon 1904 of the TECTA protein (p.Ile1904Val).